The following is an entry in ClinVar:

ClinVar aggregate classification (germline): Pathogenic (1 of 4 stars; one submission).

Conditions:
Polycystic kidney disease, adult type (PKD1). Also called: Polycystic Kidney Disease 1, Autosomal Dominant; Polycystic kidney disease 1; Polycystic kidney disease 1, severe; POLYCYSTIC KIDNEY DISEASE 1 WITH OR WITHOUT POLYCYSTIC LIVER DISEASE; POLYCYSTIC KIDNEY DISEASE, ADULT, TYPE I; Polycystic Kidney, Autosomal Dominant. Identifiers: MedGen C3149841, MONDO:0008263, OMIM 173900.

Submission:

Women's Health and Genetics/Laboratory Corporation of America, LabCorp
Classification: Pathogenic for Polycystic kidney disease, adult type. Last evaluated: 2026-04-22. Review status: criteria provided, single submitter. Criteria: LabCorp Variant Classification Summary - May 2015. Collection method: clinical testing. Allele origin: germline.
Comment: Variant summary: PKD1 c.7590delC (p.Ser2531AlafsX89) results in a premature termination codon, predicted to cause a truncation of the encoded protein or absence of the protein due to nonsense mediated decay, which are commonly known mechanisms for disease. The variant was absent in 243802 control chromosomes. To our knowledge, no occurrence of c.7590delC in individuals affected with PKD1-related conditions and no experimental evidence demonstrating its impact on protein function have been reported. No submitters have cited clinical-significance assessments for this variant to ClinVar. Based on the evidence outlined above, the variant was classified as pathogenic.

NM_001009944.3(PKD1):c.7590del (p.Ser2531fs)

Gene: PKD1 (polycystin 1, transient receptor potential channel interacting; minus strand). Cytogenetic location: 16p13.3.
Variant type: Deletion.
Coding change: c.7590del on transcript NM_001009944.3 (MANE Select); coding-DNA position 7590, one base deleted (C; older notation c.7590delC).
Protein change: p.Ser2531fs; shifts the reading frame from serine 2531.
Molecular consequence: frameshift variant.
Genome position (GRCh38, 1-based): chr16:2,106,204, G deleted on the plus strand (C on the coding strand, the reverse complement: PKD1 is on the minus strand). VCF-style (leftmost placement, unchanged base first): chr16-2106203-TG-T. GRCh37 (hg19) VCF-style: chr16-2156204-TG-T.
Other names: c.7590del, p.Ser2531fs (NM_000296.4); c.7590delC (NM_001009944.3); short protein forms S2531fs.
Identifiers: ClinVar variation 4849153 (VCV004849153.1).
Genomic context (GRCh38, chr16:2,106,203, plus strand): 5'-GGCCCACCTCGAAGTGTGGCCTGAAACCCGGGGGCAGCACGGCTCCGTAGCTGGAGAGGC[TG>T]CCCTTGTAGACACAGAACTCCTCGCAGTGGCCCTGGCGACAGCGCCGCAGCAGCAGGGCG-3'